The following is an entry in ClinVar:

ClinVar aggregate classification (germline): Uncertain significance (1 of 4 stars; one submission).

Conditions:
Retinoblastoma (RB1). Also called: RETINOBLASTOMA, SOMATIC. Identifiers: Orphanet 790, MedGen C0035335, MeSH D012175, MONDO:0008380, OMIM 180200, HP:0009919. Disease mechanism: loss of function. Inheritance: Both sporadic and heritable forms are tested..

Submission:

Labcorp Genetics (formerly Invitae), Labcorp
Classification: Uncertain significance for Retinoblastoma. Last evaluated: 2024-05-01. Review status: criteria provided, single submitter. Criteria: Invitae Variant Classification Sherloc (09022015). Collection method: clinical testing. Allele origin: germline.
Comment: This sequence change replaces glycine, which is neutral and non-polar, with alanine, which is neutral and non-polar, at codon 801 of the RB1 protein (p.Gly801Ala). This variant is not present in population databases (gnomAD no frequency). This variant has not been reported in the literature in individuals affected with RB1-related conditions. Advanced modeling of protein sequence and biophysical properties (such as structural, functional, and spatial information, amino acid conservation, physicochemical variation, residue mobility, and thermodynamic stability) performed at Invitae indicates that this missense variant is not expected to disrupt RB1 protein function with a negative predictive value of 80%. In summary, the available evidence is currently insufficient to determine the role of this variant in disease. Therefore, it has been classified as a Variant of Uncertain Significance.

NM_000321.3(RB1):c.2402G>C (p.Gly801Ala)

Gene: RB1 (RB transcriptional corepressor 1; plus strand). Cytogenetic location: 13q14.2.
Variant type: single nucleotide variant.
Coding change: c.2402G>C on transcript NM_000321.3 (MANE Select); coding-DNA position 2402, G replaced by C.
Protein change: p.Gly801Ala; replaces glycine 801 with alanine.
Molecular consequence: missense variant.
Genome position (GRCh38, 1-based): chr13:48,465,281, G>C. VCF-style: chr13-48465281-G-C. GRCh37 (hg19) VCF-style: chr13-49039417-G-C.
Other names: c.2402G>C, p.Gly801Ala (NM_001407165.1); short protein forms G801A.
Identifiers: ClinVar variation 3696634 (VCV003696634.2).